The following is an entry in ClinVar:

ClinVar aggregate classification (germline): Conflicting classifications of pathogenicity. Review status: criteria provided, conflicting classifications (1 of 4 stars). 3 submissions from 3 submitters: Uncertain significance (2); Likely benign (1). Last evaluated 2022-12-01.

Conditions:
Hemolytic uremic syndrome, atypical, susceptibility to, 1. Also called: AHUS, SUSCEPTIBILITY TO, 1. Identifiers: Orphanet 2134, Orphanet 90038, MedGen C2749604, MONDO:0009335, OMIM 235400. Disease mechanism: Other.
Age related macular degeneration 1 (ARMD1). Also called: MACULOPATHY, AGE-RELATED, 1. Identifiers: MedGen C1864205, MONDO:0011285, OMIM 603075.

Allele frequency attached by ClinVar (database versions not stated): gnomAD exomes 0.00082; gnomAD 0.00735 and 0.00770; ExAC 0.01292.

Submissions (3):

CeGaT Center for Human Genetics Tuebingen
Classification: Likely benign. Last evaluated: 2022-12-01. Review status: criteria provided, single submitter. Criteria: CeGaT Center For Human Genetics Tuebingen Variant Classification Criteria Version 2. Collection method: clinical testing. Allele origin: germline. Affected: yes. Observed: 1 variant allele.
Comment: CFHR1: BS1

Fulgent Genetics
Classification: Uncertain significance for Hemolytic uremic syndrome, atypical, susceptibility to, 1; Age related macular degeneration 1. Last evaluated: 2022-04-06. Review status: criteria provided, single submitter. Criteria: ACMG Guidelines, 2015. Collection method: clinical testing. Allele origin: unknown.

AiLife Diagnostics
Classification: Uncertain significance. Last evaluated: 2022-03-30. Review status: criteria provided, single submitter. Criteria: ACMG Guidelines, 2015. Collection method: clinical testing. Allele origin: germline. Affected: yes. Observed: 1 variant allele.

Literature cited by the submitters: PubMed 26284228 (cited by AiLife Diagnostics).

NM_002113.3(CFHR1):c.19del (p.Ser6_Val7insTer)

Gene: CFHR1 (complement factor H related 1; plus strand). Cytogenetic location: 1q31.3.
Variant type: Deletion.
Coding change: c.19del on transcript NM_002113.3 (MANE Select); coding-DNA position 19, one base deleted (G; older notation c.19delG).
Protein change: p.Ser6_Val7insTer.
Molecular consequence: nonsense.
Genome position (GRCh38, 1-based): chr1:196,819,863, G deleted. VCF-style (leftmost placement, unchanged base first): chr1-196819862-TG-T. GRCh37 (hg19) VCF-style: chr1-196788992-TG-T.
Other names: c.19del, p.Ser6_Val7insTer (NM_001379307.1, NM_001379308.1, NM_001379309.1 and 4 more transcripts).
Identifiers: ClinVar variation 1678086 (VCV001678086.26), dbSNP rs769938205, ClinGen allele CA1306363.